The following is an entry in ClinVar:

ClinVar aggregate classification (germline): Uncertain significance (1 of 4 stars; one submission).

Conditions:
Facioscapulohumeral muscular dystrophy 2 (FSHD2). Also called: MUSCULAR DYSTROPHY, FACIOSCAPULOHUMERAL, TYPE 1B; FACIOSCAPULOHUMERAL MUSCULAR DYSTROPHY 2, DIGENIC; FSHD2, DIGENIC. Identifiers: Orphanet 269, MedGen C1834671, MONDO:0008031, OMIM 158901.

Allele frequency attached by ClinVar (database versions not stated): gnomAD exomes below 0.00001.
gnomAD v4.1: 1 of 1,500,860 alleles (0.000067%); highest among the groups gnomAD compares: Admixed American, 0.002%; no homozygotes.

Submission:

Labcorp Genetics (formerly Invitae), Labcorp
Classification: Uncertain significance for Facioscapulohumeral muscular dystrophy 2. Last evaluated: 2024-03-17. Review status: criteria provided, single submitter. Criteria: Invitae Variant Classification Sherloc (09022015). Collection method: clinical testing. Allele origin: germline.
Comment: This sequence change falls in intron 15 of the SMCHD1 gene. It does not directly change the encoded amino acid sequence of the SMCHD1 protein. The frequency data for this variant in the population databases is considered unreliable, as metrics indicate poor data quality at this position in the gnomAD database. This variant has not been reported in the literature in individuals affected with SMCHD1-related conditions. ClinVar contains an entry for this variant (Variation ID: 1392087). Algorithms developed to predict the effect of sequence changes on RNA splicing suggest that this variant may disrupt the consensus splice site. In summary, the available evidence is currently insufficient to determine the role of this variant in disease. Therefore, it has been classified as a Variant of Uncertain Significance.

NM_015295.3(SMCHD1):c.2064-20A>G

Gene: SMCHD1 (structural maintenance of chromosomes flexible hinge domain containing 1; plus strand). Cytogenetic location: 18p11.32.
Variant type: single nucleotide variant.
Coding change: c.2064-20A>G on transcript NM_015295.3 (MANE Select); 20 bases into the intron before coding-DNA position 2064, A replaced by G.
Molecular consequence: intron variant.
Genome position (GRCh38, 1-based): chr18:2,707,543, A>G. VCF-style: chr18-2707543-A-G. GRCh37 (hg19) VCF-style: chr18-2707541-A-G.
Identifiers: ClinVar variation 1392087 (VCV001392087.6), dbSNP rs1488794671, ClinGen allele CA628040083.